The following is an entry in ClinVar:

NM_031935.3(HMCN1):c.706T>C (p.Trp236Arg)

Gene: HMCN1 (hemicentin 1; plus strand). Cytogenetic location: 1q31.1.
Variant type: single nucleotide variant.
Coding change: c.706T>C on transcript NM_031935.3 (MANE Select); coding-DNA position 706, T replaced by C.
Protein change: p.Trp236Arg; replaces tryptophan 236 with arginine.
Molecular consequence: missense variant.
Genome position (GRCh38, 1-based): chr1:185,909,421, T>C. VCF-style: chr1-185909421-T-C. GRCh37 (hg19) VCF-style: chr1-185878553-T-C.
Other names: short protein forms W236R.
Identifiers: ClinVar variation 1484360 (VCV001484360.6), dbSNP rs2102450858, ClinGen allele CA343883202.
Genomic context (GRCh38, chr1:185,909,421, plus strand): 5'-GTACAGGCCTCCAAAGTTCACCTTTTATCCACAGATCATTTGGAACAGGCTGTAAATACT[T>C]GGAGAATTCCTTTTGATCCCAGCCTGAAAGAGGTCACTGTGTCTTTGAGTGGGCCTTCTC-3'
Protein context (NP_114141.2, residues 226-246): TDHLEQAVNT[Trp236Arg]RIPFDPSLKE

ClinVar aggregate classification (germline): Uncertain significance (1 of 4 stars; one submission).

Allele frequency attached by ClinVar (database versions not stated): gnomAD exomes below 0.00001.
gnomAD v4.1: 1 of 1,613,538 alleles (0.000062%); highest among the groups gnomAD compares: South Asian, 0.0011%; no homozygotes.

Submission:

Labcorp Genetics (formerly Invitae), Labcorp
Classification: Uncertain significance. Last evaluated: 2021-10-25. Review status: criteria provided, single submitter. Criteria: Invitae Variant Classification Sherloc (09022015). Collection method: clinical testing. Allele origin: germline.
Comment: In summary, the available evidence is currently insufficient to determine the role of this variant in disease. Therefore, it has been classified as a Variant of Uncertain Significance. Algorithms developed to predict the effect of missense changes on protein structure and function are either unavailable or do not agree on the potential impact of this missense change (SIFT: "Deleterious"; PolyPhen-2: "Probably Damaging"; Align-GVGD: "Class C0"). This variant has not been reported in the literature in individuals affected with HMCN1-related conditions. This variant is not present in population databases (ExAC no frequency). This sequence change replaces tryptophan with arginine at codon 236 of the HMCN1 protein (p.Trp236Arg). The tryptophan residue is moderately conserved and there is a moderate physicochemical difference between tryptophan and arginine.